The following is an entry in ClinVar:

NM_017617.5(NOTCH1):c.6487A>C (p.Ser2163Arg)

Gene: NOTCH1 (notch receptor 1; minus strand). Cytogenetic location: 9q34.3.
Variant type: single nucleotide variant.
Coding change: c.6487A>C on transcript NM_017617.5 (MANE Select); coding-DNA position 6487, A replaced by C.
Protein change: p.Ser2163Arg; replaces serine 2163 with arginine.
Molecular consequence: missense variant.
Genome position (GRCh38, 1-based): chr9:136,497,252, T>G on the plus strand (A>C on the coding strand, the complement: NOTCH1 is on the minus strand). VCF-style: chr9-136497252-T-G. GRCh37 (hg19) VCF-style: chr9-139391704-T-G.
Other names: short protein forms S2163R.
Identifiers: ClinVar variation 1753790 (VCV001753790.4), dbSNP rs1432824285, ClinGen allele CA375631531.

ClinVar aggregate classification (germline): Uncertain significance. Review status: criteria provided, multiple submitters, no conflicts (2 of 4 stars). 2 submissions from 2 submitters: Uncertain significance (2). Last evaluated 2025-10-29.

Conditions:
Adams-Oliver syndrome 5 (AOS5). Identifiers: Orphanet 974, MedGen C4014970, MONDO:0014459, OMIM 616028.
Familial thoracic aortic aneurysm and aortic dissection (TAAD). Also called: Thoracic aortic aneurysms and dissections. Identifiers: Orphanet 91387, MedGen C4707243, MONDO:0019625.

Allele frequency attached by ClinVar (database versions not stated): gnomAD 0.00001; gnomAD exomes 0.00001; TOPMed 0.00001.
gnomAD v4.1: 15 of 1,611,816 alleles (0.00093%); highest among the groups gnomAD compares: Non-Finnish European, 0.0013%; no homozygotes.

Submissions (2):

Labcorp Genetics (formerly Invitae), Labcorp
Classification: Uncertain significance for Adams-Oliver syndrome 5. Last evaluated: 2025-10-29. Review status: criteria provided, single submitter. Criteria: Invitae Variant Classification Sherloc (09022015). Collection method: clinical testing. Allele origin: germline.
Comment: This sequence change replaces serine, which is neutral and polar, with arginine, which is basic and polar, at codon 2163 of the NOTCH1 protein (p.Ser2163Arg). This variant is present in population databases (no rsID available, gnomAD 0.002%). This variant has not been reported in the literature in individuals affected with NOTCH1-related conditions. ClinVar contains an entry for this variant (Variation ID: 1753790). Invitae Evidence Modeling of protein sequence and biophysical properties (such as structural, functional, and spatial information, amino acid conservation, physicochemical variation, residue mobility, and thermodynamic stability) indicates that this missense variant is not expected to disrupt NOTCH1 protein function with a negative predictive value of 80%. In summary, the available evidence is currently insufficient to determine the role of this variant in disease. Therefore, it has been classified as a Variant of Uncertain Significance.

Ambry Genetics
Classification: Uncertain significance for Familial thoracic aortic aneurysm and aortic dissection. Last evaluated: 2024-01-03. Review status: criteria provided, single submitter. Criteria: Ambry Variant Classification Scheme 2023. Collection method: clinical testing. Allele origin: germline.